The following is an entry in ClinVar:

NM_177531.6(PKHD1L1):c.10170G>A (p.Ser3390=)

Gene: PKHD1L1 (PKHD1 like 1; plus strand). Cytogenetic location: 8q23.1.
Variant type: single nucleotide variant.
Coding change: c.10170G>A on transcript NM_177531.6 (MANE Select); coding-DNA position 10170, G replaced by A.
Protein change: p.Ser3390=; no amino-acid change (serine 3390 retained).
Molecular consequence: synonymous variant.
Genome position (GRCh38, 1-based): chr8:109,491,928, G>A. VCF-style: chr8-109491928-G-A. GRCh37 (hg19) VCF-style: chr8-110504157-G-A.
Identifiers: ClinVar variation 4979284 (VCV004979284.1).
Genomic context (GRCh38, chr8:109,491,928, plus strand): 5'-AACAGGCATAAGAATATGGGGGAATGCCAACCGAGTCCGAGGGAATTTGATTGCACTTTC[G>A]GTTTGGCCAGGAACCTATCAGAACAGAAAAGATTTAAGTTCAACTCTCTGGCATGCAGCA-3'
Protein context (NP_803875.2, residues 3380-3400): NRVRGNLIAL[Ser3390=]VWPGTYQNRK

ClinVar aggregate classification (germline): Likely benign (1 of 4 stars; one submission).

Conditions:
PKHD1L1-related disorder. Also called: PKHD1L1-related condition.

gnomAD v4.1: 27 of 1,603,556 alleles (0.0017%); highest among the groups gnomAD compares: Admixed American, 0.0051%; no homozygotes.

Submission:

PreventionGenetics, part of Exact Sciences
Classification: Likely benign for PKHD1L1-related condition. Last evaluated: 2025-06-19. Review status: criteria provided, single submitter. Criteria: ACMG Guidelines, 2015. Collection method: clinical testing. Allele origin: germline.
Comment: This variant is classified as likely benign based on ACMG/AMP sequence variant interpretation guidelines (Richards et al. 2015 PMID: 25741868, with internal and published modifications).